The following is an entry in ClinVar:

ClinVar aggregate classification (germline): Uncertain significance (1 of 4 stars; one submission).

Submission:

Labcorp Genetics (formerly Invitae), Labcorp
Classification: Uncertain significance. Last evaluated: 2025-11-28. Review status: criteria provided, single submitter. Criteria: Invitae Variant Classification Sherloc (09022015). Collection method: clinical testing. Allele origin: germline.
Comment: This sequence change falls in intron 9 of the CHUK gene. It does not directly change the encoded amino acid sequence of the CHUK protein. This variant is not present in population databases (gnomAD no frequency). This variant has not been reported in the literature in individuals affected with CHUK-related conditions. Experimental studies and prediction algorithms are not available or were not evaluated, and the effect of this variant on mRNA splicing is currently unknown. In summary, the available evidence is currently insufficient to determine the role of this variant in disease. Therefore, it has been classified as a Variant of Uncertain Significance.

NM_001278.5(CHUK):c.933+9_933+10insGAAGGTTAGTCTTTTTTTTTTTTTTTTTTTTTTNNNNNNNNNNTGACCTCGTGATCCGCCCGCCTCGGCCTCCCAAAGTGTTGGGATTACAGGCGTGAGCCACCGCGCCCGGCCTA

Gene: CHUK (component of inhibitor of nuclear factor kappa B kinase complex; minus strand). Cytogenetic location: 10q24.31.
Variant type: Insertion.
Coding change: c.933+9_933+10insGAAGGTTAGTCTTTTTTTTTTTTTTTTTTTTTTNNNNNNNNNNTGACCTCGTGATCCGCCCGCCTCGGCCTCCCAAAGTGTTGGGATTACAGGCGTGAGCCACCGCGCCCGGCCTA on transcript NM_001278.5 (MANE Select); bases 9 to 10 of the intron after coding-DNA position 933, GAAGGTTAGTCTTTTTTTTTTTTTTTTTTTTTTNNNNNNNNNNTGACCTCGTGATCCGCCCGCCTCGGCCTCCCAAAGTGTTGGGATTACAGGCGTGAGCCACCGCGCCCGGCCTA inserted.
Molecular consequence: splice donor variant.
Genome position: GRCh38: chr10:100,217,998-100,217,999. GRCh37 (hg19): chr10:101,977,755-101,977,756.
Other names: c.933+9_933+10insGAAGGTTAGTCTTTTTTTTTTTTTTTTTTTTTTNNNNNNNNNNTGACCTCGTGATCCGCCCGCCTCGGCCTCCCAAAGTGTTGGGATTACAGGCGTGAGCCACCGCGCCCGGCCTA (NM_001441063.1, NM_001441064.1, NM_001320928.2 and 1 more transcripts); c.651+9_651+10insGAAGGTTAGTCTTTTTTTTTTTTTTTTTTTTTTNNNNNNNNNNTGACCTCGTGATCCGCCCGCCTCGGCCTCCCAAAGTGTTGGGATTACAGGCGTGAGCCACCGCGCCCGGCCTA (NM_001441065.1); c.306+9_306+10insGAAGGTTAGTCTTTTTTTTTTTTTTTTTTTTTTNNNNNNNNNNTGACCTCGTGATCCGCCCGCCTCGGCCTCCCAAAGTGTTGGGATTACAGGCGTGAGCCACCGCGCCCGGCCTA (NM_001441066.1).
Identifiers: ClinVar variation 4726549 (VCV004726549.1).